The following is an entry in ClinVar:

ClinVar aggregate classification (germline): Uncertain significance (1 of 4 stars; one submission).

Conditions:
Inborn genetic diseases. Identifiers: MedGen C0950123, MeSH D030342.

Submission:

Ambry Genetics
Classification: Uncertain significance for Inborn genetic diseases. Last evaluated: 2026-04-01. Review status: criteria provided, single submitter. Criteria: Ambry Variant Classification Scheme 2023. Collection method: clinical testing. Allele origin: germline.
Comment: The p.N506S variant (also known as c.1517A>G), located in coding exon 14 of the DDX41 gene, results from an A to G substitution at nucleotide position 1517. The asparagine at codon 506 is replaced by serine, an amino acid with highly similar properties. This amino acid position is highly conserved in available vertebrate species. In addition, the in silico prediction for this alteration is inconclusive. Based on the available evidence, the clinical significance of this variant remains unclear.

NM_016222.4(DDX41):c.1517A>G (p.Asn506Ser)

Gene: DDX41 (DEAD-box helicase 41; minus strand). Cytogenetic location: 5q35.3.
Variant type: single nucleotide variant.
Coding change: c.1517A>G on transcript NM_016222.4 (MANE Select); coding-DNA position 1517, A replaced by G.
Protein change: p.Asn506Ser; replaces asparagine 506 with serine.
Molecular consequence: missense variant.
Genome position (GRCh38, 1-based): chr5:177,512,528, T>C on the plus strand (A>G on the coding strand, the complement: DDX41 is on the minus strand). VCF-style: chr5-177512528-T-C. GRCh37 (hg19) VCF-style: chr5-176939529-T-C.
Other names: c.1139A>G, p.Asn380Ser (NM_001321732.2, NM_001321830.2); short protein forms N380S, N506S.
Identifiers: ClinVar variation 4869630 (VCV004869630.1).